The following is an entry in ClinVar:

NM_002204.4(ITGA3):c.2960C>G (p.Pro987Arg)

Gene: ITGA3 (integrin subunit alpha 3; plus strand). Cytogenetic location: 17q21.33.
Variant type: single nucleotide variant.
Coding change: c.2960C>G on transcript NM_002204.4 (MANE Select); coding-DNA position 2960, C replaced by G.
Protein change: p.Pro987Arg; replaces proline 987 with arginine.
Molecular consequence: missense variant.
Genome position (GRCh38, 1-based): chr17:50,087,784, C>G. VCF-style: chr17-50087784-C-G. GRCh37 (hg19) VCF-style: chr17-48165148-C-G.
Other names: short protein forms P987R.
Identifiers: ClinVar variation 770643 (VCV000770643.14), dbSNP rs146126922, ClinGen allele CA8642114.

ClinVar aggregate classification (germline): Benign/Likely benign. Review status: criteria provided, multiple submitters, no conflicts (2 of 4 stars). 4 submissions from 4 submitters: Benign (1); Likely benign (3). Last evaluated 2026-07-01.

Allele frequency attached by ClinVar (database versions not stated): ESP Exome Variant Server 0.00031; gnomAD 0.00083; TOPMed 0.00126; 1000 Genomes Project 0.00200; 1000 Genomes Project 30x 0.00281.
gnomAD v4.1: 1,164 of 1,613,250 alleles (0.072%); highest among the groups gnomAD compares: Admixed American, 1.3%; 6 homozygotes.

Submissions (4):

CeGaT Center for Human Genetics Tuebingen
Classification: Likely benign. Last evaluated: 2026-07-01. Review status: criteria provided, single submitter. Criteria: CeGaT Center For Human Genetics Tuebingen Variant Classification Criteria Version 2. Collection method: clinical testing. Allele origin: germline. Affected: yes. Observed: 1 variant allele.
Comment: ITGA3: BS1

Labcorp Genetics (formerly Invitae), Labcorp
Classification: Benign. Last evaluated: 2026-01-06. Review status: criteria provided, single submitter. Criteria: Invitae Variant Classification Sherloc (09022015). Collection method: clinical testing. Allele origin: germline.

GeneDx
Classification: Likely benign. Last evaluated: 2023-05-25. Review status: criteria provided, single submitter. Criteria: GeneDx Variant Classification Process June 2021. Collection method: clinical testing. Allele origin: germline. Affected: yes.
Comment: See Variant Classification Assertion Criteria.

Breakthrough Genomics
Classification: Likely benign. Review status: criteria provided, single submitter. Criteria: ACMG Guidelines, 2015. Collection method: not provided. Allele origin: germline. Inheritance: Autosomal recessive inheritance. Affected: yes.